The following is an entry in ClinVar:

NM_001366110.1(PAX4):c.693C>T (p.Leu231=)

Gene: PAX4 (paired box 4; minus strand). Cytogenetic location: 7q32.1.
Variant type: single nucleotide variant.
Coding change: c.693C>T on transcript NM_001366110.1 (MANE Select); coding-DNA position 693, C replaced by T.
Protein change: p.Leu231=; no amino-acid change (leucine 231 retained).
Molecular consequence: synonymous variant.
Genome position (GRCh38, 1-based): chr7:127,613,044, G>A on the plus strand (C>T on the coding strand, the complement: PAX4 is on the minus strand). VCF-style: chr7-127613044-G-A. GRCh37 (hg19) VCF-style: chr7-127253098-G-A.
Other names: c.693C>T, p.Leu231= (NM_001366111.1).
Identifiers: ClinVar variation 2871985 (VCV002871985.3), dbSNP rs115621771, ClinGen allele CA4467979.

ClinVar aggregate classification (germline): Uncertain significance (1 of 4 stars; one submission).

Allele frequency attached by ClinVar (database versions not stated): gnomAD exomes below 0.00001; TOPMed below 0.00001; ExAC 0.00003; gnomAD 0.00003; 1000 Genomes Project 30x 0.00062; 1000 Genomes Project 0.00080.
gnomAD v4.1: 9 of 1,613,192 alleles (0.00056%); highest among the groups gnomAD compares: African/African-American, 0.008%; no homozygotes.

Submission:

Labcorp Genetics (formerly Invitae), Labcorp
Classification: Uncertain significance. Last evaluated: 2024-09-30. Review status: criteria provided, single submitter. Criteria: Invitae Variant Classification Sherloc (09022015). Collection method: clinical testing. Allele origin: germline.
Comment: This sequence change affects codon 223 of the PAX4 mRNA. It is a 'silent' change, meaning that it does not change the encoded amino acid sequence of the PAX4 protein. This variant is present in population databases (rs115621771, gnomAD 0.02%). This variant has not been reported in the literature in individuals affected with PAX4-related conditions. Algorithms developed to predict the effect of sequence changes on RNA splicing suggest that this variant may disrupt the consensus splice site. In summary, the available evidence is currently insufficient to determine the role of this variant in disease. Therefore, it has been classified as a Variant of Uncertain Significance.